The following is an entry in ClinVar:

ClinVar aggregate classification (germline): Pathogenic (1 of 4 stars; one submission).

Submission:

Labcorp Genetics (formerly Invitae), Labcorp
Classification: Pathogenic. Last evaluated: 2024-06-13. Review status: criteria provided, single submitter. Criteria: Invitae Variant Classification Sherloc (09022015). Collection method: clinical testing. Allele origin: germline.
Comment: This sequence change creates a premature translational stop signal (p.Gln105*) in the COL2A1 gene. It is expected to result in an absent or disrupted protein product. Loss-of-function variants in COL2A1 are known to be pathogenic (PMID: 20179744). This variant is not present in population databases (gnomAD no frequency). This variant has not been reported in the literature in individuals affected with COL2A1-related conditions. ClinVar contains an entry for this variant (Variation ID: 2028353). For these reasons, this variant has been classified as Pathogenic.

Literature cited by the submitters: PubMed 20179744.

NM_001844.5(COL2A1):c.313C>T (p.Gln105Ter)

Gene: COL2A1 (collagen type II alpha 1 chain; minus strand). Cytogenetic location: 12q13.11.
Variant type: single nucleotide variant.
Coding change: c.313C>T on transcript NM_001844.5 (MANE Select); coding-DNA position 313, C replaced by T.
Protein change: p.Gln105Ter; replaces glutamine 105 with a stop codon.
Molecular consequence: nonsense.
Genome position (GRCh38, 1-based): chr12:47,998,198, G>A on the plus strand (C>T on the coding strand, the complement: COL2A1 is on the minus strand). VCF-style: chr12-47998198-G-A. GRCh37 (hg19) VCF-style: chr12-48391981-G-A.
Other names: c.106C>T, p.Gln36Ter (NM_033150.3); short protein forms Q105*, Q36*.
Identifiers: ClinVar variation 2028353 (VCV002028353.4), dbSNP rs2540182818, ClinGen allele CA384525428.